The following is an entry in ClinVar:

NM_080680.3(COL11A2):c.4863+7G>A

Gene: COL11A2 (collagen type XI alpha 2 chain; minus strand). Cytogenetic location: 6p21.32.
Variant type: single nucleotide variant.
Coding change: c.4863+7G>A on transcript NM_080680.3 (MANE Select); 7 bases into the intron after coding-DNA position 4863, G replaced by A.
Molecular consequence: intron variant.
Genome position (GRCh38, 1-based): chr6:33,164,845, C>T on the plus strand (G>A on the coding strand, the complement: COL11A2 is on the minus strand). VCF-style: chr6-33164845-C-T. GRCh37 (hg19) VCF-style: chr6-33132622-C-T.
Other names: c.4542+7G>A (NM_080679.3); c.4605+7G>A (NM_080681.3).
Identifiers: ClinVar variation 178924 (VCV000178924.26), dbSNP rs200947059, ClinGen allele CA183322.
Genomic context (GRCh38, chr6:33,164,845, plus strand): 5'-GAAACCACTAAGCCCTGAGGGGGTGCACTATGGGGCAGGGGAGGGGCAGCGAGGGGCCAG[C>T]TCTCACCTGCGTGACGTCATCCCTAGGCGTCACACAGGTCTCACCCCCTGCTGTGAAGTT-3'

ClinVar aggregate classification (germline): Conflicting classifications of pathogenicity. Review status: criteria provided, conflicting classifications (1 of 4 stars). 9 submissions from 9 submitters: Uncertain significance (1); Benign (3); Likely benign (4). 1 of the submissions does not count toward it. Last evaluated 2026-06-01.

Conditions:
COL11A2-related disorder. Also called: COL11A2-related disorders; COL11A2-related condition.

Allele frequency attached by ClinVar (database versions not stated): gnomAD 0.00016; gnomAD exomes 0.00022 and 0.00161; ExAC 0.00028; 1000 Genomes Project 30x 0.00031; 1000 Genomes Project 0.00040; TOPMed 0.00056.
gnomAD v4.1: 333 of 1,553,428 alleles (0.021%); highest among the groups gnomAD compares: Admixed American, 0.63%; 3 homozygotes.

Submissions (9):

CeGaT Center for Human Genetics Tuebingen
Classification: Likely benign. Last evaluated: 2026-06-01. Review status: criteria provided, single submitter. Criteria: CeGaT Center For Human Genetics Tuebingen Variant Classification Criteria Version 2. Collection method: clinical testing. Allele origin: germline. Affected: yes. Observed: 2 variant alleles.
Comment: COL11A2: BP4

Women's Health and Genetics/Laboratory Corporation of America, LabCorp
Classification: Benign. Last evaluated: 2026-05-12. Review status: criteria provided, single submitter. Criteria: LabCorp Variant Classification Summary - May 2015. Collection method: clinical testing. Allele origin: germline.

Labcorp Genetics (formerly Invitae), Labcorp
Classification: Benign. Last evaluated: 2026-01-21. Review status: criteria provided, single submitter. Criteria: Invitae Variant Classification Sherloc (09022015). Collection method: clinical testing. Allele origin: germline.

Blueprint Genetics
Classification: Likely benign. Last evaluated: 2024-11-26. Review status: criteria provided, single submitter. Criteria: ACMG Guidelines, 2015. Collection method: clinical testing. Allele origin: germline.

Athena Diagnostics
Classification: Likely benign. Last evaluated: 2018-11-09. Review status: criteria provided, single submitter. Criteria: Athena Diagnostics Criteria. Collection method: clinical testing. Allele origin: germline.

GeneDx
Classification: Likely benign. Last evaluated: 2018-07-23. Review status: criteria provided, single submitter. Criteria: GeneDx Variant Classification Process June 2021. Collection method: clinical testing. Allele origin: germline. Affected: yes.

Laboratory for Molecular Medicine, Mass General Brigham Personalized Medicine
Classification: Benign. Last evaluated: 2017-07-27. Review status: criteria provided, single submitter. Criteria: LMM Criteria. Collection method: clinical testing. Allele origin: germline. Observed: 3 variant alleles.
Comment: c.4863+7G>A in intron 64 of COL11A2: This variant is not expected to have clinic al significance because it is not located within the conserved splice consensus sequence. It has been identified in 1% (259/ 25154) of Latino chromosomes by the Genome Aggregation Database (gnomAD; dbSNP rs 200947059).

Eurofins Ntd Llc (ga)
Classification: Uncertain significance. Last evaluated: 2014-12-10. Review status: criteria provided, single submitter. Criteria: EGL Classification Definitions 2015. Collection method: clinical testing. Allele origin: germline. Observed: 1 variant allele, 1 heterozygote.

PreventionGenetics, part of Exact Sciences
Classification: Benign for COL11A2-related condition. Last evaluated: 2019-04-08. Review status: no assertion criteria provided. Collection method: clinical testing. Allele origin: germline. Not counted in ClinVar's aggregate classification.
Comment: This variant is classified as benign based on ACMG/AMP sequence variant interpretation guidelines (Richards et al. 2015 PMID: 25741868, with internal and published modifications).